The following is an entry in ClinVar:

NM_024301.5(FKRP):c.844G>A (p.Gly282Arg)

Gene: FKRP (fukutin related protein; plus strand). Cytogenetic location: 19q13.32.
Variant type: single nucleotide variant.
Coding change: c.844G>A on transcript NM_024301.5 (MANE Select); coding-DNA position 844, G replaced by A.
Protein change: p.Gly282Arg; replaces glycine 282 with arginine.
Molecular consequence: missense variant.
Genome position (GRCh38, 1-based): chr19:46,756,294, G>A. VCF-style: chr19-46756294-G-A. GRCh37 (hg19) VCF-style: chr19-47259551-G-A.
Other names: c.844G>A, p.Gly282Arg (NM_001039885.3); short protein forms G282R.
Identifiers: ClinVar variation 1442593 (VCV001442593.7), dbSNP rs2054920195, ClinGen allele CA406496125.

ClinVar aggregate classification (germline): Uncertain significance. Review status: criteria provided, multiple submitters, no conflicts (2 of 4 stars). 2 submissions from 2 submitters: Uncertain significance (2). Last evaluated 2021-08-28.

Conditions:
Cardiovascular phenotype. Identifiers: MedGen CN230736.
Walker-Warburg congenital muscular dystrophy. Also called: Muscular dystrophy-dystroglycanopathy, type A; Walker-Warburg syndrome. Identifiers: Orphanet 899, MedGen C0265221, MONDO:0000171.

Allele frequency attached by ClinVar (database versions not stated): TOPMed below 0.00001.

Submissions (2):

Labcorp Genetics (formerly Invitae), Labcorp
Classification: Uncertain significance for Walker-Warburg congenital muscular dystrophy. Last evaluated: 2021-08-28. Review status: criteria provided, single submitter. Criteria: Invitae Variant Classification Sherloc (09022015). Collection method: clinical testing. Allele origin: germline.
Comment: This sequence change replaces glycine with arginine at codon 282 of the FKRP protein (p.Gly282Arg). The glycine residue is highly conserved and there is a moderate physicochemical difference between glycine and arginine. The frequency data for this variant in the population databases is considered unreliable, as metrics indicate insufficient coverage at this position in the ExAC database. This variant has not been reported in the literature in individuals affected with FKRP-related conditions. Algorithms developed to predict the effect of missense changes on protein structure and function are either unavailable or do not agree on the potential impact of this missense change (SIFT: "Deleterious"; PolyPhen-2: "Probably Damaging"; Align-GVGD: "Class C0"). In summary, the available evidence is currently insufficient to determine the role of this variant in disease. Therefore, it has been classified as a Variant of Uncertain Significance.

Ambry Genetics
Classification: Uncertain significance for Cardiovascular phenotype. Last evaluated: 2021-02-04. Review status: criteria provided, single submitter. Criteria: Ambry Variant Classification Scheme 2023. Collection method: clinical testing. Allele origin: germline.
Comment: The p.G282R variant (also known as c.844G>A), located in coding exon 1 of the FKRP gene, results from a G to A substitution at nucleotide position 844. The glycine at codon 282 is replaced by arginine, an amino acid with dissimilar properties. This amino acid position is highly conserved in available vertebrate species. In addition, the in silico prediction for this alteration is inconclusive. Since supporting evidence is limited at this time, the clinical significance of this alteration remains unclear.